The following is an entry in ClinVar:

NM_139119.3(YY1AP1):c.975C>T (p.His325=)

Gene: YY1AP1 (YY1 associated protein 1; minus strand). Cytogenetic location: 1q22.
Variant type: single nucleotide variant.
Coding change: c.975C>T on transcript NM_139119.3 (MANE Select); coding-DNA position 975, C replaced by T.
Protein change: p.His325=; no amino-acid change (histidine 325 retained).
Molecular consequence: synonymous variant.
Genome position (GRCh38, 1-based): chr1:155,661,328, G>A on the plus strand (C>T on the coding strand, the complement: YY1AP1 is on the minus strand). VCF-style: chr1-155661328-G-A. GRCh37 (hg19) VCF-style: chr1-155631119-G-A.
Other names: c.942C>T, p.His314= (NM_001198899.2, NM_001198900.2, NM_018253.4); c.975C>T, p.His325= (NM_001198901.2, NM_001198902.2); c.1389C>T, p.His463= (NM_001198903.1); c.1329C>T, p.His443= (NM_001198904.1); c.915C>T, p.His305= (NM_001198905.2); c.1173C>T, p.His391= (NM_001198906.2); c.1113C>T, p.His371= (NM_139118.3); c.777C>T, p.His259= (NM_139121.3).
Identifiers: ClinVar variation 720259 (VCV000720259.7), dbSNP rs56737889, ClinGen allele CA1148640.

ClinVar aggregate classification (germline): Likely benign. Review status: criteria provided, multiple submitters, no conflicts (2 of 4 stars). 3 submissions from 3 submitters: Likely benign (2). 1 of the submissions does not count toward it. Last evaluated 2024-10-02.

Conditions:
YY1AP1-related disorder. Also called: YY1AP1-related condition.

Allele frequency attached by ClinVar (database versions not stated): gnomAD exomes 0.00016 and 0.00042; ExAC 0.00059; 1000 Genomes Project 0.00140; gnomAD 0.00162 and 0.00178; TOPMed 0.00197; 1000 Genomes Project 30x 0.00203; ESP Exome Variant Server 0.00216.
gnomAD v4.1: 496 of 1,613,846 alleles (0.031%); highest among the groups gnomAD compares: African/African-American, 0.61%; 1 homozygote.

Submissions (3):

Blueprint Genetics
Classification: Likely benign. Last evaluated: 2024-10-02. Review status: criteria provided, single submitter. Criteria: ACMG Guidelines, 2015. Collection method: clinical testing. Allele origin: germline.

Labcorp Genetics (formerly Invitae), Labcorp
Classification: Likely benign. Last evaluated: 2019-12-31. Review status: criteria provided, single submitter. Criteria: Invitae Variant Classification Sherloc (09022015). Collection method: clinical testing. Allele origin: germline.

PreventionGenetics, part of Exact Sciences
Classification: Likely benign for YY1AP1-related condition. Last evaluated: 2019-10-28. Review status: no assertion criteria provided. Collection method: clinical testing. Allele origin: germline. Not counted in ClinVar's aggregate classification.
Comment: This variant is classified as likely benign based on ACMG/AMP sequence variant interpretation guidelines (Richards et al. 2015 PMID: 25741868, with internal and published modifications).